The following is an entry in ClinVar:

ClinVar aggregate classification (germline): Uncertain significance. Review status: criteria provided, multiple submitters, no conflicts (2 of 4 stars). 5 submissions from 5 submitters: Uncertain significance (3). 2 of the submissions do not count toward it. Last evaluated 2026-03-09.

Conditions:
Obesity due to prohormone convertase I deficiency. Also called: OBESITY AND ENDOCRINOPATHY DUE TO IMPAIRED PROCESSING OF PROHORMONES. Identifiers: Orphanet 71528, MedGen C1833053, MONDO:0010961, OMIM 600955.
Body mass index quantitative trait locus 12 (BMIQ12). Also called: Obesity, susceptibility to, BMIQ12; OBESITY (BMIQ12), SUSCEPTIBILITY TO. Identifiers: MedGen C2676498, OMIM 612362.
PCSK1-related disorder. Also called: PCSK1-related condition.

Allele frequency attached by ClinVar (database versions not stated): gnomAD 0.00013 and 0.00014; ExAC 0.00015; TOPMed 0.00018; gnomAD exomes 0.00026 and 0.00012; ESP Exome Variant Server 0.00038.
gnomAD v4.1: 391 of 1,607,970 alleles (0.024%); highest among the groups gnomAD compares: Non-Finnish European, 0.032%; no homozygotes.

Submissions (5):

PreventionGenetics, part of Exact Sciences
Classification: Uncertain significance for PCSK1-related condition. Last evaluated: 2026-03-09. Review status: criteria provided, single submitter. Criteria: ACMG Guidelines, 2015. Collection method: clinical testing. Allele origin: germline.
Comment: The PCSK1 c.541T>C variant is predicted to result in the amino acid substitution p.Tyr181His. This variant has been detected in the heterozygous state in several individuals with obesity but also in control subjects (Creemers et al. 2012. PubMed ID: 22210313; Kleinendorst et al. 2018. PubMed ID: 29970488; Van Dijck et al. 2022. PubMed ID: 36292633). The p.Tyr181His substitution did not influence PCSK1 enzymatic activity in engineered cell lines, but it did result in mildly decreased propeptide cleavage—a property required for activation in native cells (Creemers et al. 2012. PubMed ID: 22210313). In the same study, case-control analysis was under-powered, but suggested the variant may be associated with heterozygous obesity susceptibility; however, this was disputed in a different study (Creemers et al. 2012. PubMed ID: 22210313; Van Dijck et al. 2022. PubMed ID: 36292633). Another in vitro functional study showed suggestive evidence of loss of function (Table 3 and Supplemental Data Set, Shah et al. 2023. PubMed ID: 36864747; Folon et al. 2023. PubMed ID: 36822744). This variant is reported in 0.021% of alleles in individuals of European (non-Finnish) descent in gnomAD. Although we suspect this variant may be pathogenic, at this time, the clinical significance of this variant is uncertain due to the absence of conclusive functional and genetic evidence.

Fulgent Genetics
Classification: Uncertain significance for Obesity due to prohormone convertase I deficiency; Body mass index quantitative trait locus 12. Last evaluated: 2022-01-24. Review status: criteria provided, single submitter. Criteria: ACMG Guidelines, 2015. Collection method: clinical testing. Allele origin: unknown.

Illumina Laboratory Services, Illumina
Classification: Uncertain significance for Obesity due to prohormone convertase I deficiency. Last evaluated: 2017-04-27. Review status: criteria provided, single submitter. Criteria: ICSL Variant Classification Criteria 13 December 2019. Collection method: clinical testing. Allele origin: germline.
Comment: This variant was observed as part of a predisposition screen in an ostensibly healthy population. A literature search was performed for the gene, cDNA change, and amino acid change (where applicable). Publications were found based on this search. However, the evidence from the literature, in combination with allele frequency data from public databases where available, was not sufficient to rule this variant in or out of causing disease. Therefore, this variant is classified as a variant of unknown significance.

Clinical Genetics DNA and cytogenetics Diagnostics Lab, Erasmus MC, Erasmus Medical Center
Classification: Uncertain significance. Review status: no assertion criteria provided. Collection method: clinical testing. Allele origin: germline. Affected: yes. Study: VKGL Data-share Consensus. Not counted in ClinVar's aggregate classification.

Clinical Genetics, Academic Medical Center
Classification: Uncertain significance. Review status: no assertion criteria provided. Collection method: clinical testing. Allele origin: germline. Affected: yes. Study: VKGL Data-share Consensus. Not counted in ClinVar's aggregate classification.

Literature cited by the submitters: PubMed 23383060 (cited by Illumina Laboratory Services, Illumina); PubMed 22210313 (cited by Illumina Laboratory Services, Illumina).

NM_000439.5(PCSK1):c.541T>C (p.Tyr181His)

Genes: PCSK1 (proprotein convertase subtilisin/kexin type 1; minus strand), CAST (calpastatin; plus strand), LOC101929710 (uncharacterized LOC101929710; plus strand). Cytogenetic location: 5q15.
Variant type: single nucleotide variant.
Coding change: c.541T>C on transcript NM_000439.5 (MANE Select); coding-DNA position 541, T replaced by C.
Protein change: p.Tyr181His; replaces tyrosine 181 with histidine.
Molecular consequence: missense variant.
Genome position (GRCh38, 1-based): chr5:96,423,315, A>G on the plus strand (T>C on the coding strand, the complement: PCSK1 is on the minus strand). VCF-style: chr5-96423315-A-G. GRCh37 (hg19) VCF-style: chr5-95759019-A-G.
Other names: c.400T>C, p.Tyr134His (NM_001177875.2); short protein forms Y134H, Y181H.
Identifiers: ClinVar variation 906972 (VCV000906972.11), dbSNP rs145592525, ClinGen allele CA3350461.